The following is an entry in ClinVar:

ClinVar aggregate classification (germline): Pathogenic (1 of 4 stars; one submission).

Conditions:
RYR1-related disorder. Also called: RYR1-related condition; RYR1-related disorders. Identifiers: MedGen CN239331.

gnomAD v4.1: 10 of 1,614,030 alleles (0.00062%); no homozygotes.

Submission:

Labcorp Genetics (formerly Invitae), Labcorp
Classification: Pathogenic for RYR1-related disorder. Last evaluated: 2024-09-27. Review status: criteria provided, single submitter. Criteria: Invitae Variant Classification Sherloc (09022015). Collection method: clinical testing. Allele origin: germline.
Comment: This sequence change creates a premature translational stop signal (p.Gln2993*) in the RYR1 gene. It is expected to result in an absent or disrupted protein product. Loss-of-function variants in RYR1 are known to be pathogenic (PMID: 23919265, 25960145, 28818389, 30611313). This variant is present in population databases (rs774178720, gnomAD 0.004%). This variant has not been reported in the literature in individuals affected with RYR1-related conditions. Algorithms developed to predict the effect of sequence changes on RNA splicing suggest that this variant may disrupt the consensus splice site. For these reasons, this variant has been classified as Pathogenic.

Literature cited by the submitters: PubMed 23919265; PubMed 25960145; PubMed 28818389; PubMed 30611313.

NM_000540.3(RYR1):c.8977C>T (p.Gln2993Ter)

Gene: RYR1 (ryanodine receptor 1; plus strand). Cytogenetic location: 19q13.2.
Variant type: single nucleotide variant.
Coding change: c.8977C>T on transcript NM_000540.3 (MANE Select); coding-DNA position 8977, C replaced by T.
Protein change: p.Gln2993Ter; replaces glutamine 2993 with a stop codon.
Molecular consequence: nonsense.
Genome position (GRCh38, 1-based): chr19:38,510,542, C>T. VCF-style: chr19-38510542-C-T. GRCh37 (hg19) VCF-style: chr19-39001182-C-T.
Other names: c.8977C>T, p.Gln2993Ter (NM_001042723.2); short protein forms Q2993*.
Identifiers: ClinVar variation 3671176 (VCV003671176.2).